The following is an entry in ClinVar:

NM_001256007.3(PNPLA8):c.1038A>C (p.Leu346Phe)

Gene: PNPLA8 (patatin like domain 8, phospholipase A2; minus strand). Cytogenetic location: 7q31.1.
Variant type: single nucleotide variant.
Coding change: c.1038A>C on transcript NM_001256007.3 (MANE Select); coding-DNA position 1038, A replaced by C.
Protein change: p.Leu346Phe; replaces leucine 346 with phenylalanine.
Molecular consequence: missense variant.
Genome position (GRCh38, 1-based): chr7:108,514,454, T>G on the plus strand (A>C on the coding strand, the complement: PNPLA8 is on the minus strand). VCF-style: chr7-108514454-T-G. GRCh37 (hg19) VCF-style: chr7-108154898-T-G.
Other names: c.1038A>C, p.Leu346Phe (NM_001256008.3, NM_001256009.3, NM_015723.5); c.738A>C, p.Leu246Phe (NM_001256010.3, NM_001256011.3); c.1038A>C (NM_015723.2); short protein forms L246F, L346F.
Identifiers: ClinVar variation 2985051 (VCV002985051.4), dbSNP rs1863153008, ClinGen allele CA368897522.

ClinVar aggregate classification (germline): Uncertain significance. Review status: criteria provided, multiple submitters, no conflicts (2 of 4 stars). 2 submissions from 2 submitters: Uncertain significance (2). Last evaluated 2025-08-27.

Conditions:
Inborn genetic diseases. Identifiers: MedGen C0950123, MeSH D030342.

Allele frequency attached by ClinVar (database versions not stated): gnomAD exomes below 0.00001; TOPMed 0.00002.
gnomAD v4.1: 1 of 1,609,882 alleles (0.000062%); highest among the groups gnomAD compares: South Asian, 0.0011%; no homozygotes.

Submissions (2):

Ambry Genetics
Classification: Uncertain significance for Inborn genetic diseases. Last evaluated: 2025-08-27. Review status: criteria provided, single submitter. Criteria: Ambry Variant Classification Scheme 2023. Collection method: clinical testing. Allele origin: germline.

Labcorp Genetics (formerly Invitae), Labcorp
Classification: Uncertain significance. Last evaluated: 2023-01-31. Review status: criteria provided, single submitter. Criteria: Invitae Variant Classification Sherloc (09022015). Collection method: clinical testing. Allele origin: germline.
Comment: This sequence change replaces leucine, which is neutral and non-polar, with phenylalanine, which is neutral and non-polar, at codon 346 of the PNPLA8 protein (p.Leu346Phe). This variant is not present in population databases (gnomAD no frequency). This variant has not been reported in the literature in individuals affected with PNPLA8-related conditions. Algorithms developed to predict the effect of missense changes on protein structure and function (SIFT, PolyPhen-2, Align-GVGD) all suggest that this variant is likely to be tolerated. In summary, the available evidence is currently insufficient to determine the role of this variant in disease. Therefore, it has been classified as a Variant of Uncertain Significance.